The following is an entry in ClinVar:

NM_030665.4(RAI1):c.5414A>T (p.His1805Leu)

Gene: RAI1 (retinoic acid induced 1; plus strand). Cytogenetic location: 17p11.2.
Variant type: single nucleotide variant.
Coding change: c.5414A>T on transcript NM_030665.4 (MANE Select); coding-DNA position 5414, A replaced by T.
Protein change: p.His1805Leu; replaces histidine 1805 with leucine.
Molecular consequence: missense variant.
Genome position (GRCh38, 1-based): chr17:17,798,362, A>T. VCF-style: chr17-17798362-A-T. GRCh37 (hg19) VCF-style: chr17-17701676-A-T.
Other names: short protein forms H1805L.
Identifiers: ClinVar variation 1303301 (VCV001303301.2), dbSNP rs2143003519, ClinGen allele CA398559117.

ClinVar aggregate classification (germline): Uncertain significance (1 of 4 stars; one submission).

Submission:

GeneDx
Classification: Uncertain significance. Last evaluated: 2019-08-08. Review status: criteria provided, single submitter. Criteria: GeneDx Variant Classification Process June 2021. Collection method: clinical testing. Allele origin: germline. Affected: yes.
Comment: Not observed in large population cohorts (Lek et al., 2016); In silico analysis, which includes protein predictors and evolutionary conservation, supports a deleterious effect; Has not been previously published as pathogenic or benign to our knowledge